The following is an entry in ClinVar:

NM_002180.3(IGHMBP2):c.173G>C (p.Gly58Ala)

Gene: IGHMBP2 (immunoglobulin mu DNA binding protein 2; plus strand). Cytogenetic location: 11q13.3.
Variant type: single nucleotide variant.
Coding change: c.173G>C on transcript NM_002180.3 (MANE Select); coding-DNA position 173, G replaced by C.
Protein change: p.Gly58Ala; replaces glycine 58 with alanine.
Molecular consequence: missense variant.
Genome position (GRCh38, 1-based): chr11:68,906,155, G>C. VCF-style: chr11-68906155-G-C. GRCh37 (hg19) VCF-style: chr11-68673623-G-C.
Other names: short protein forms G58A.
Identifiers: ClinVar variation 1491414 (VCV001491414.8), dbSNP rs2154006539, ClinGen allele CA381642387.

ClinVar aggregate classification (germline): Uncertain significance (1 of 4 stars; one submission).

Conditions:
Autosomal recessive distal spinal muscular atrophy 1. Also called: SEVERE INFANTILE AXONAL NEUROPATHY WITH RESPIRATORY FAILURE; SPINAL MUSCULAR ATROPHY, DIAPHRAGMATIC; Spinal muscular atrophy with respiratory distress 1; NEURONOPATHY, SEVERE INFANTILE AXONAL, WITH RESPIRATORY FAILURE; NEURONOPATHY, DISTAL HEREDITARY MOTOR, HARDING TYPE VI; NEUROPATHY, DISTAL HEREDITARY MOTOR, AUTOSOMAL RECESSIVE 1. Identifiers: Orphanet 98920, MedGen C1858517, MONDO:0011436, OMIM 604320.
Charcot-Marie-Tooth disease axonal type 2S. Also called: CHARCOT-MARIE-TOOTH NEUROPATHY, TYPE 2S; CHARCOT-MARIE-TOOTH DISEASE, AXONAL, AUTOSOMAL RECESSIVE, TYPE 2S. Identifiers: Orphanet 443073, MedGen C4015349, MONDO:0014511, OMIM 616155.

gnomAD v4.1: 1 of 1,614,174 alleles (0.000062%); highest among the groups gnomAD compares: Non-Finnish European, 0.000085%; no homozygotes.

Submission:

Labcorp Genetics (formerly Invitae), Labcorp
Classification: Uncertain significance for Autosomal recessive distal spinal muscular atrophy 1; Charcot-Marie-Tooth disease axonal type 2S. Last evaluated: 2024-11-18. Review status: criteria provided, single submitter. Criteria: Invitae Variant Classification Sherloc (09022015). Collection method: clinical testing. Allele origin: germline.
Comment: This sequence change replaces glycine, which is neutral and non-polar, with alanine, which is neutral and non-polar, at codon 58 of the IGHMBP2 protein (p.Gly58Ala). This variant is not present in population databases (gnomAD no frequency). This variant has not been reported in the literature in individuals affected with IGHMBP2-related conditions. ClinVar contains an entry for this variant (Variation ID: 1491414). Invitae Evidence Modeling of protein sequence and biophysical properties (such as structural, functional, and spatial information, amino acid conservation, physicochemical variation, residue mobility, and thermodynamic stability) has been performed for this missense variant. However, the output from this modeling did not meet the statistical confidence thresholds required to predict the impact of this variant on IGHMBP2 protein function. In summary, the available evidence is currently insufficient to determine the role of this variant in disease. Therefore, it has been classified as a Variant of Uncertain Significance.